The following is an entry in ClinVar:

NM_000179.3(MSH6):c.2488T>G (p.Ser830Ala)

Gene: MSH6 (mutS homolog 6; plus strand). Cytogenetic location: 2p16.3.
Variant type: single nucleotide variant.
Coding change: c.2488T>G on transcript NM_000179.3 (MANE Select); coding-DNA position 2488, T replaced by G.
Protein change: p.Ser830Ala; replaces serine 830 with alanine.
Molecular consequence: missense variant.
Genome position (GRCh38, 1-based): chr2:47,800,471, T>G. VCF-style: chr2-47800471-T-G. GRCh37 (hg19) VCF-style: chr2-48027610-T-G.
Other names: c.2098T>G, p.Ser700Ala (NM_001281492.2); c.1582T>G, p.Ser528Ala (NM_001281493.2, NM_001281494.2); short protein forms S700A, S528A, S830A.
Identifiers: ClinVar variation 821350 (VCV000821350.18), dbSNP rs1572727368, ClinGen allele CA346754199.
Genomic context (GRCh38, chr2:47,800,471, plus strand): 5'-GAGCTTCTAAAGAAGCTTCCAGATCTTGAGAGGCTACTCAGTAAAATTCATAATGTTGGG[T>G]CTCCCCTGAAGAGTCAGAACCACCCAGACAGCAGGGCTATAATGTATGAAGAAACTACAT-3'
Protein context (NP_000170.1, residues 820-840): RLLSKIHNVG[Ser830Ala]PLKSQNHPDS

ClinVar aggregate classification (germline): Uncertain significance. Review status: criteria provided, multiple submitters, no conflicts (2 of 4 stars). 5 submissions from 5 submitters: Uncertain significance (5). Last evaluated 2025-09-27.

Conditions:
Hereditary nonpolyposis colorectal neoplasms. Identifiers: MedGen C0009405, MeSH D003123.
Hereditary cancer-predisposing syndrome. Also called: Neoplastic Syndromes, Hereditary; Tumor predisposition; Hereditary Cancer Syndrome; Hereditary neoplastic syndrome. Identifiers: Orphanet 140162, MedGen C0027672, MeSH D009386, MONDO:0015356.
Endometrial carcinoma. Also called: Endometrial carcinoma, somatic. Identifiers: MedGen C0476089, MONDO:0002447, OMIM 608089, HP:0012114.

Allele frequency attached by ClinVar (database versions not stated): gnomAD exomes below 0.00001; TOPMed below 0.00001.
gnomAD v4.1: 4 of 1,613,472 alleles (0.00025%); highest among the groups gnomAD compares: Non-Finnish European, 0.00034%; no homozygotes.

Submissions (5):

Labcorp Genetics (formerly Invitae), Labcorp
Classification: Uncertain significance for Hereditary nonpolyposis colorectal neoplasms. Last evaluated: 2025-09-27. Review status: criteria provided, single submitter. Criteria: Invitae Variant Classification Sherloc (09022015). Collection method: clinical testing. Allele origin: germline.
Comment: This sequence change replaces serine, which is neutral and polar, with alanine, which is neutral and non-polar, at codon 830 of the MSH6 protein (p.Ser830Ala). This variant is not present in population databases (gnomAD no frequency). This variant has not been reported in the literature in individuals affected with MSH6-related conditions. ClinVar contains an entry for this variant (Variation ID: 821350). Invitae Evidence Modeling of protein sequence and biophysical properties (such as structural, functional, and spatial information, amino acid conservation, physicochemical variation, residue mobility, and thermodynamic stability) indicates that this missense variant is not expected to disrupt MSH6 protein function with a negative predictive value of 95%. In summary, the available evidence is currently insufficient to determine the role of this variant in disease. Therefore, it has been classified as a Variant of Uncertain Significance.

Color Diagnostics, LLC DBA Color Health
Classification: Uncertain significance for Hereditary cancer-predisposing syndrome. Last evaluated: 2025-09-10. Review status: criteria provided, single submitter. Criteria: ACMG Guidelines, 2015. Collection method: clinical testing. Allele origin: germline.
Comment: This missense variant replaces serine with alanine at codon 830 of the MSH6 protein. Computational prediction suggests that this variant may not impact protein structure and function. To our knowledge, functional studies have not been reported for this variant. This variant has not been reported in individuals affected with MSH6-related disorders in the literature. This variant has not been identified in the general population by the Genome Aggregation Database (gnomAD). The available evidence is insufficient to determine the role of this variant in disease conclusively. Therefore, this variant is classified as a Variant of Uncertain Significance.

Center for Genomic Medicine, Rigshospitalet, Copenhagen University Hospital
Classification: Uncertain significance. Last evaluated: 2025-03-04. Review status: criteria provided, single submitter. Criteria: ACMG Guidelines, 2015. Collection method: clinical testing. Allele origin: germline.

Ambry Genetics
Classification: Uncertain significance for Hereditary cancer-predisposing syndrome. Last evaluated: 2024-05-27. Review status: criteria provided, single submitter. Criteria: Ambry Variant Classification Scheme 2023. Collection method: clinical testing. Allele origin: germline.
Comment: The p.S830A variant (also known as c.2488T>G), located in coding exon 4 of the MSH6 gene, results from a T to G substitution at nucleotide position 2488. The serine at codon 830 is replaced by alanine, an amino acid with similar properties. This amino acid position is not well conserved in available vertebrate species. In addition, this alteration is predicted to be tolerated by in silico analysis. Since supporting evidence is limited at this time, the clinical significance of this alteration remains unclear.

Baylor Genetics
Classification: Uncertain significance for Endometrial carcinoma. Last evaluated: 2023-06-28. Review status: criteria provided, single submitter. Criteria: ACMG Guidelines, 2015. Collection method: clinical testing. Allele origin: unknown.